The following is an entry in ClinVar:

ClinVar aggregate classification (germline): Likely benign. Review status: criteria provided, multiple submitters, no conflicts (2 of 4 stars). 3 submissions from 3 submitters: Likely benign (3). Last evaluated 2022-08-01.

Allele frequency attached by ClinVar (database versions not stated): gnomAD exomes 0.00002 and 0.00003; gnomAD 0.00003 and 0.00004; ExAC 0.00004; TOPMed 0.00004.
gnomAD v4.1: 29 of 1,608,128 alleles (0.0018%); highest among the groups gnomAD compares: Middle Eastern, 0.016%; no homozygotes.

Submissions (3):

CeGaT Center for Human Genetics Tuebingen
Classification: Likely benign. Last evaluated: 2022-08-01. Review status: criteria provided, single submitter. Criteria: CeGaT Center For Human Genetics Tuebingen Variant Classification Criteria Version 2. Collection method: clinical testing. Allele origin: germline. Affected: yes. Observed: 1 variant allele.
Comment: SOBP: BP4, BP7

Labcorp Genetics (formerly Invitae), Labcorp
Classification: Likely benign. Last evaluated: 2018-07-31. Review status: criteria provided, single submitter. Criteria: Invitae Variant Classification Sherloc (09022015). Collection method: clinical testing. Allele origin: germline.

Breakthrough Genomics
Classification: Likely benign. Review status: criteria provided, single submitter. Criteria: ACMG Guidelines, 2015. Collection method: not provided. Allele origin: germline. Inheritance: Autosomal recessive inheritance. Affected: yes.

NM_018013.4(SOBP):c.1593G>A (p.Val531=)

Gene: SOBP (sine oculis binding protein homolog; plus strand). Cytogenetic location: 6q21.
Variant type: single nucleotide variant.
Coding change: c.1593G>A on transcript NM_018013.4 (MANE Select); coding-DNA position 1593, G replaced by A.
Protein change: p.Val531=; no amino-acid change (valine 531 retained).
Molecular consequence: synonymous variant.
Genome position (GRCh38, 1-based): chr6:107,634,437, G>A. VCF-style: chr6-107634437-G-A. GRCh37 (hg19) VCF-style: chr6-107955641-G-A.
Identifiers: ClinVar variation 757407 (VCV000757407.28), dbSNP rs777884579, ClinGen allele CA3946542.